The following is an entry in ClinVar:

NM_138459.5(NUS1):c.308T>G (p.Leu103Arg)

Gene: NUS1 (NUS1 dehydrodolichyl diphosphate synthase subunit; plus strand). Cytogenetic location: 6q22.1.
Variant type: single nucleotide variant.
Coding change: c.308T>G on transcript NM_138459.5 (MANE Select); coding-DNA position 308, T replaced by G.
Protein change: p.Leu103Arg; replaces leucine 103 with arginine.
Molecular consequence: missense variant.
Genome position (GRCh38, 1-based): chr6:117,675,978, T>G. VCF-style: chr6-117675978-T-G. GRCh37 (hg19) VCF-style: chr6-117997141-T-G.
Other names: short protein forms L103R.
Identifiers: ClinVar variation 2815971 (VCV002815971.3), dbSNP rs2481983597, ClinGen allele CA365536331.

ClinVar aggregate classification (germline): Likely pathogenic (1 of 4 stars; one submission).

Conditions:
Congenital disorder of glycosylation, type Iaa. Also called: Congenital disorder of glycosylation, type 1aa. Identifiers: MedGen C4310727, MONDO:0014904, OMIM 617082.

Submission:

Labcorp Genetics (formerly Invitae), Labcorp
Classification: Likely pathogenic for Congenital disorder of glycosylation, type Iaa. Last evaluated: 2023-01-24. Review status: criteria provided, single submitter. Criteria: Invitae Variant Classification Sherloc (09022015). Collection method: clinical testing. Allele origin: germline.
Comment: In summary, the currently available evidence indicates that the variant is pathogenic, but additional data are needed to prove that conclusively. Therefore, this variant has been classified as Likely Pathogenic. Algorithms developed to predict the effect of missense changes on protein structure and function are either unavailable or do not agree on the potential impact of this missense change (SIFT: "Deleterious"; PolyPhen-2: "Possibly Damaging"; Align-GVGD: "Class C0"). This missense change has been observed in individual(s) with NUS1-related conditions (Invitae). In at least one individual the variant was observed to be de novo. This variant is not present in population databases (gnomAD no frequency). This sequence change replaces leucine, which is neutral and non-polar, with arginine, which is basic and polar, at codon 103 of the NUS1 protein (p.Leu103Arg).